The following is an entry in ClinVar:

NM_001167.4(XIAP):c.376C>G (p.His126Asp)

Gene: XIAP (X-linked inhibitor of apoptosis; plus strand). Cytogenetic location: Xq25.
Variant type: single nucleotide variant.
Coding change: c.376C>G on transcript NM_001167.4 (MANE Select); coding-DNA position 376, C replaced by G.
Protein change: p.His126Asp; replaces histidine 126 with aspartic acid.
Molecular consequence: missense variant.
Genome position (GRCh38, 1-based): chrX:123,886,038, C>G. VCF-style: chrX-123886038-C-G. GRCh37 (hg19) VCF-style: chrX-123019888-C-G.
Other names: c.376C>G, p.His126Asp (NM_001204401.2, NM_001378590.1, NM_001378591.1 and 1 more transcripts); short protein forms H126D.
Identifiers: ClinVar variation 1022689 (VCV001022689.7), dbSNP rs2053348107, ClinGen allele CA414123328.

ClinVar aggregate classification (germline): Uncertain significance (1 of 4 stars; one submission).

Conditions:
X-linked lymphoproliferative disease due to XIAP deficiency. Also called: XIAP DEFICIENCY; XIAP-Related Lymphoproliferative Disease, X-Linked. Identifiers: Orphanet 2442, Orphanet 538934, MedGen C1845076, MONDO:0010385, OMIM 300635.

Allele frequency attached by ClinVar (database versions not stated): TOPMed below 0.00001.

Submission:

Labcorp Genetics (formerly Invitae), Labcorp
Classification: Uncertain significance for X-linked lymphoproliferative disease due to XIAP deficiency. Last evaluated: 2020-05-20. Review status: criteria provided, single submitter. Criteria: Invitae Variant Classification Sherloc (09022015). Collection method: clinical testing. Allele origin: germline.
Comment: Algorithms developed to predict the effect of missense changes on protein structure and function are either unavailable or do not agree on the potential impact of this missense change (SIFT: "Not Available"; PolyPhen-2: "Benign"; Align-GVGD: "Not Available"). This variant has not been reported in the literature in individuals with XIAP-related conditions. This variant is not present in population databases (ExAC no frequency). This sequence change replaces histidine with aspartic acid at codon 126 of the XIAP protein (p.His126Asp). The histidine residue is moderately conserved and there is a moderate physicochemical difference between histidine and aspartic acid. In summary, the available evidence is currently insufficient to determine the role of this variant in disease. Therefore, it has been classified as a Variant of Uncertain Significance.